The following is an entry in ClinVar:

ClinVar aggregate classification (germline): Uncertain significance (1 of 4 stars; one submission).

Allele frequency attached by ClinVar (database versions not stated): ExAC 0.00001; gnomAD 0.00001; gnomAD exomes below 0.00001; TOPMed 0.00001.
gnomAD v4.1: 4 of 1,613,978 alleles (0.00025%); highest among the groups gnomAD compares: African/African-American, 0.0027%; no homozygotes.

Submission:

Labcorp Genetics (formerly Invitae), Labcorp
Classification: Uncertain significance. Last evaluated: 2025-08-18. Review status: criteria provided, single submitter. Criteria: Invitae Variant Classification Sherloc (09022015). Collection method: clinical testing. Allele origin: germline.
Comment: This sequence change replaces leucine, which is neutral and non-polar, with proline, which is neutral and non-polar, at codon 1995 of the NIN protein (p.Leu1995Pro). This variant is present in population databases (rs766941335, gnomAD 0.002%). This variant has not been reported in the literature in individuals affected with NIN-related conditions. ClinVar contains an entry for this variant (Variation ID: 1954629). An algorithm developed to predict the effect of missense changes on protein structure and function (PolyPhen-2) suggests that this variant is likely to be disruptive. In summary, the available evidence is currently insufficient to determine the role of this variant in disease. Therefore, it has been classified as a Variant of Uncertain Significance.

NM_020921.4(NIN):c.5984T>C (p.Leu1995Pro)

Gene: NIN (ninein; minus strand). Cytogenetic location: 14q22.1.
Variant type: single nucleotide variant.
Coding change: c.5984T>C on transcript NM_020921.4 (MANE Select); coding-DNA position 5984, T replaced by C.
Protein change: p.Leu1995Pro; replaces leucine 1995 with proline.
Molecular consequence: missense variant.
Genome position (GRCh38, 1-based): chr14:50,729,617, A>G on the plus strand (T>C on the coding strand, the complement: NIN is on the minus strand). VCF-style: chr14-50729617-A-G. GRCh37 (hg19) VCF-style: chr14-51196335-A-G.
Other names: c.3845T>C, p.Leu1282Pro (NM_016350.5); c.5984T>C, p.Leu1995Pro (NM_182944.3, NM_182946.2); short protein forms L1282P, L1995P.
Identifiers: ClinVar variation 1954629 (VCV001954629.5), dbSNP rs766941335, ClinGen allele CA7181067.